The following is an entry in ClinVar:

NM_006939.4(SOS2):c.338C>T (p.Ser113Leu)

Gene: SOS2 (SOS Ras/Rho guanine nucleotide exchange factor 2; minus strand). Cytogenetic location: 14q21.3.
Variant type: single nucleotide variant.
Coding change: c.338C>T on transcript NM_006939.4 (MANE Select); coding-DNA position 338, C replaced by T.
Protein change: p.Ser113Leu; replaces serine 113 with leucine.
Molecular consequence: missense variant.
Genome position (GRCh38, 1-based): chr14:50,200,960, G>A on the plus strand (C>T on the coding strand, the complement: SOS2 is on the minus strand). VCF-style: chr14-50200960-G-A. GRCh37 (hg19) VCF-style: chr14-50667678-G-A.
Other names: short protein forms S113L.
Identifiers: ClinVar variation 968125 (VCV000968125.13), dbSNP rs751240491, ClinGen allele CA7177562.

ClinVar aggregate classification (germline): Conflicting classifications of pathogenicity. Review status: criteria provided, conflicting classifications (1 of 4 stars). 4 submissions from 4 submitters: Uncertain significance (1); Benign (1); Likely benign (2). Last evaluated 2025-11-22.

Conditions:
Noonan syndrome 9 (NS9). Identifiers: Orphanet 648, MedGen C4225282, MONDO:0014691, OMIM 616559.

Allele frequency attached by ClinVar (database versions not stated): ExAC 0.00001; gnomAD exomes 0.00001 and 0.00002; gnomAD 0.00003 and 0.00004; TOPMed 0.00008.
gnomAD v4.1: 23 of 1,613,448 alleles (0.0014%); highest among the groups gnomAD compares: Middle Eastern, 0.049%; no homozygotes.

Submissions (4):

Labcorp Genetics (formerly Invitae), Labcorp
Classification: Benign for Noonan syndrome 9. Last evaluated: 2025-11-22. Review status: criteria provided, single submitter. Criteria: Invitae Variant Classification Sherloc (09022015). Collection method: clinical testing. Allele origin: germline.

Women's Health and Genetics/Laboratory Corporation of America, LabCorp
Classification: Likely benign. Last evaluated: 2025-09-15. Review status: criteria provided, single submitter. Criteria: LabCorp Variant Classification Summary - May 2015. Collection method: clinical testing. Allele origin: germline.
Comment: Variant summary: SOS2 c.338C>T (p.Ser113Leu) results in a non-conservative amino acid change in the encoded protein sequence. Algorithms developed to predict the effect of missense changes on protein structure and function are either unavailable or do not agree on the potential impact of this missense change. The variant allele was found at a frequency of 1.4e-05 in 1613448 control chromosomes. The observed variant frequency exceeds the estimated maximal expected allele frequency for disease-causing variants in SOS2. To our knowledge, no occurrence of c.338C>T in individuals affected with SOS2-related conditions and no experimental evidence demonstrating its impact on protein function have been reported. ClinVar contains an entry for this variant (Variation ID: 968125). Based on the evidence outlined above, the variant was classified as likely benign.

Blueprint Genetics
Classification: Likely benign. Last evaluated: 2023-07-18. Review status: criteria provided, single submitter. Criteria: ACMG Guidelines, 2015. Collection method: clinical testing. Allele origin: germline.

Breakthrough Genomics
Classification: Uncertain significance. Review status: criteria provided, single submitter. Criteria: ACMG Guidelines, 2015. Collection method: not provided. Allele origin: germline. Inheritance: Autosomal dominant inheritance. Affected: yes.